The following is an entry in ClinVar:

NM_004544.4(NDUFA10):c.1000-192G>A

Gene: NDUFA10 (NADH:ubiquinone oxidoreductase subunit A10; minus strand). Cytogenetic location: 2q37.3.
Variant type: single nucleotide variant.
Coding change: c.1000-192G>A on transcript NM_004544.4 (MANE Select); 192 bases into the intron before coding-DNA position 1000, G replaced by A.
Molecular consequence: intron variant.
Genome position (GRCh38, 1-based): chr2:239,961,378, C>T on the plus strand (G>A on the coding strand, the complement: NDUFA10 is on the minus strand). VCF-style: chr2-239961378-C-T. GRCh37 (hg19) VCF-style: chr2-240900795-C-T.
Other names: c.891-192G>A (NM_001322020.2).
Identifiers: ClinVar variation 671406 (VCV000671406.2), dbSNP rs4077388, ClinGen allele CA11242810.

ClinVar aggregate classification (germline): Benign. Review status: criteria provided, multiple submitters, no conflicts (2 of 4 stars). 2 submissions from 2 submitters: Benign (2). Last evaluated 2018-06-14.

Allele frequency attached by ClinVar (database versions not stated): gnomAD 0.12693 and 0.12966; TOPMed 0.13169; 1000 Genomes Project 30x 0.15131; 1000 Genomes Project 0.15296.
gnomAD v4.1: 19,697 of 152,272 alleles (13%); highest among the groups gnomAD compares: East Asian, 24%; 1,340 homozygotes.

Submissions (2):

GeneDx
Classification: Benign. Last evaluated: 2018-06-14. Review status: criteria provided, single submitter. Criteria: GeneDx Variant Classification (06012015). Collection method: clinical testing. Allele origin: germline. Affected: yes.
Comment: This variant is considered likely benign or benign based on one or more of the following criteria: it is a conservative change, it occurs at a poorly conserved position in the protein, it is predicted to be benign by multiple in silico algorithms, and/or has population frequency not consistent with disease.

Breakthrough Genomics
Classification: Benign. Review status: criteria provided, single submitter. Criteria: ACMG Guidelines, 2015. Collection method: not provided. Allele origin: germline. Inheritance: Autosomal recessive inheritance. Affected: yes.